The following is an entry in ClinVar:

ClinVar aggregate classification (germline): Uncertain significance (1 of 4 stars; one submission).

Conditions:
Charcot-Marie-Tooth disease type 2. Also called: Charcot-Marie-Tooth type 2. Identifiers: Orphanet 64746, MedGen C0270914, MONDO:0018993.

Submission:

Labcorp Genetics (formerly Invitae), Labcorp
Classification: Uncertain significance for Charcot-Marie-Tooth disease type 2. Last evaluated: 2019-10-21. Review status: criteria provided, single submitter. Criteria: Invitae Variant Classification Sherloc (09022015). Collection method: clinical testing. Allele origin: germline.
Comment: This variant is an out-of-frame deletion of the genomic region encompassing exons 5-9 of the AARS gene. This is expected to create a premature translational stop signal and result in an absent or disrupted protein product. This variant has not been reported in the literature in individuals with AARS-related conditions. The current clinical and genetic evidence is not sufficient to establish whether loss-of-function variants in AARS cause disease. In summary, the available evidence is currently insufficient to determine the role of this variant in disease. Therefore, it has been classified as a Variant of Uncertain Significance.

NC_000016.10:g.(?_70267649)_(70271982_?)del

Gene: AARS1 (alanyl-tRNA synthetase 1; minus strand). Cytogenetic location: 16q22.1.
Variant type: Deletion.
Identifiers: ClinVar variation 832704 (VCV000832704.1).